The following is an entry in ClinVar:

NM_015213.4(DENND5A):c.703C>T (p.Pro235Ser)

Gene: DENND5A (DENN domain containing 5A; minus strand). Cytogenetic location: 11p15.4.
Variant type: single nucleotide variant.
Coding change: c.703C>T on transcript NM_015213.4 (MANE Select); coding-DNA position 703, C replaced by T.
Protein change: p.Pro235Ser; replaces proline 235 with serine.
Molecular consequence: missense variant. On other transcripts: non-coding transcript variant (1).
Genome position (GRCh38, 1-based): chr11:9,203,906, G>A on the plus strand (C>T on the coding strand, the complement: DENND5A is on the minus strand). VCF-style: chr11-9203906-G-A. GRCh37 (hg19) VCF-style: chr11-9225453-G-A.
Other names: c.703C>T, p.Pro235Ser (NM_001243254.2, NM_001348748.1); c.631C>T, p.Pro211Ser (NM_001348749.2); c.415C>T, p.Pro139Ser (NM_001348750.2); short protein forms P139S, P235S, P211S.
Identifiers: ClinVar variation 2090401 (VCV002090401.4), dbSNP rs912472377, ClinGen allele CA217547678.

ClinVar aggregate classification (germline): Uncertain significance (1 of 4 stars; one submission).

Submission:

Labcorp Genetics (formerly Invitae), Labcorp
Classification: Uncertain significance. Last evaluated: 2022-03-28. Review status: criteria provided, single submitter. Criteria: Invitae Variant Classification Sherloc (09022015). Collection method: clinical testing. Allele origin: germline.
Comment: In summary, the available evidence is currently insufficient to determine the role of this variant in disease. Therefore, it has been classified as a Variant of Uncertain Significance. Algorithms developed to predict the effect of missense changes on protein structure and function (SIFT, PolyPhen-2, Align-GVGD) all suggest that this variant is likely to be tolerated. This variant has not been reported in the literature in individuals affected with DENND5A-related conditions. This variant is not present in population databases (gnomAD no frequency). This sequence change replaces proline, which is neutral and non-polar, with serine, which is neutral and polar, at codon 235 of the DENND5A protein (p.Pro235Ser).